The following is an entry in ClinVar:

ClinVar aggregate classification (germline): Pathogenic (1 of 4 stars; one submission).

Submission:

CeGaT Center for Human Genetics Tuebingen
Classification: Pathogenic. Last evaluated: 2025-10-01. Review status: criteria provided, single submitter. Criteria: CeGaT Center For Human Genetics Tuebingen Variant Classification Criteria Version 2. Collection method: clinical testing. Allele origin: germline. Affected: yes. Observed: 1 variant allele.
Comment: DLG4: PVS1, PM2

NM_001321075.3(DLG4):c.1350_1353dup (p.Leu452fs)

Gene: DLG4 (discs large MAGUK scaffold protein 4; minus strand). Cytogenetic location: 17p13.1.
Variant type: Duplication.
Coding change: c.1350_1353dup on transcript NM_001321075.3 (MANE Select); coding-DNA positions 1350 to 1353, 4 bases duplicated (GGCC; older notation c.1350_1353dupGGCC).
Protein change: p.Leu452fs; shifts the reading frame from leucine 452.
Molecular consequence: frameshift variant. On other transcripts: non-coding transcript variant (1).
Genome position (GRCh38, 1-based): chr17:7,194,444-7,194,447, GGCC duplicated on the plus strand (GGCC on the coding strand, the reverse complement: DLG4 is on the minus strand). VCF-style (leftmost placement, unchanged base first): chr17-7194443-G-GGGCC. GRCh37 (hg19) VCF-style: chr17-7097762-G-GGGCC.
Other names: c.1341_1344dup, p.Leu449fs (NM_001128827.4); c.1470_1473dup, p.Leu492fs (NM_001321074.1); c.1170_1173dup, p.Leu392fs (NM_001321076.3, NM_001321077.3); c.1479_1482dup, p.Leu495fs (NM_001365.5); c.1269_1272dup, p.Leu425fs (NM_001369566.3); short protein forms L392fs, L425fs, L449fs, L452fs, L492fs, L495fs.
Identifiers: ClinVar variation 4535061 (VCV004535061.6).